The following is an entry in ClinVar:

ClinVar aggregate classification (germline): Uncertain significance. Review status: criteria provided, multiple submitters, no conflicts (2 of 4 stars). 2 submissions from 2 submitters: Uncertain significance (2). Last evaluated 2025-05-05.

Conditions:
Dilated cardiomyopathy 2B. Identifiers: Orphanet 154, MedGen C3553409, MONDO:0013848, OMIM 614672.
Cardiovascular phenotype. Identifiers: MedGen CN230736.

Allele frequency attached by ClinVar (database versions not stated): gnomAD exomes below 0.00001 and 0.00002; gnomAD 0.00001; TOPMed 0.00002.
gnomAD v4.1: 24 of 1,583,634 alleles (0.0015%); highest among the groups gnomAD compares: Non-Finnish European, 0.002%; no homozygotes.

Submissions (2):

Labcorp Genetics (formerly Invitae), Labcorp
Classification: Uncertain significance for Dilated cardiomyopathy 2B. Last evaluated: 2025-05-05. Review status: criteria provided, single submitter. Criteria: Invitae Variant Classification Sherloc (09022015). Collection method: clinical testing. Allele origin: germline.
Comment: This sequence change replaces tyrosine, which is neutral and polar, with cysteine, which is neutral and slightly polar, at codon 204 of the GATAD1 protein (p.Tyr204Cys). This variant is present in population databases (no rsID available, gnomAD 0.002%). This variant has not been reported in the literature in individuals affected with GATAD1-related conditions. ClinVar contains an entry for this variant (Variation ID: 518928). Invitae Evidence Modeling of protein sequence and biophysical properties (such as structural, functional, and spatial information, amino acid conservation, physicochemical variation, residue mobility, and thermodynamic stability) has been performed for this missense variant. However, the output from this modeling did not meet the statistical confidence thresholds required to predict the impact of this variant on GATAD1 protein function. In summary, the available evidence is currently insufficient to determine the role of this variant in disease. Therefore, it has been classified as a Variant of Uncertain Significance.

Ambry Genetics
Classification: Uncertain significance for Cardiovascular phenotype. Last evaluated: 2024-03-22. Review status: criteria provided, single submitter. Criteria: Ambry Variant Classification Scheme 2023. Collection method: clinical testing. Allele origin: germline.
Comment: The p.Y204C variant (also known as c.611A>G), located in coding exon 4 of the GATAD1 gene, results from an A to G substitution at nucleotide position 611. The tyrosine at codon 204 is replaced by cysteine, an amino acid with highly dissimilar properties. This variant was not reported in population based cohorts in the following databases: Database of Single Nucleotide Polymorphisms (dbSNP), NHLBI Exome Sequencing Project (ESP), and 1000 Genomes Project. In the ESP, this variant was not observed in 6503 samples (13006 alleles) with coverage at this position. This amino acid position is highly conserved in available vertebrate species. In addition, this alteration is predicted to be deleterious by in silico analysis. Since supporting evidence is limited at this time, the clinical significance of this variant remains unclear.

NM_021167.5(GATAD1):c.611A>G (p.Tyr204Cys)

Gene: GATAD1 (GATA zinc finger domain containing 1; plus strand). Cytogenetic location: 7q21.2.
Variant type: single nucleotide variant.
Coding change: c.611A>G on transcript NM_021167.5 (MANE Select); coding-DNA position 611, A replaced by G.
Protein change: p.Tyr204Cys; replaces tyrosine 204 with cysteine.
Molecular consequence: missense variant. On other transcripts: non-coding transcript variant (1).
Genome position (GRCh38, 1-based): chr7:92,454,677, A>G. VCF-style: chr7-92454677-A-G. GRCh37 (hg19) VCF-style: chr7-92083991-A-G.
Other names: short protein forms Y204C.
Identifiers: ClinVar variation 518928 (VCV000518928.9), dbSNP rs922487847, ClinGen allele CA161964437.